The following is an entry in ClinVar:

ClinVar aggregate classification (germline): Uncertain significance. Review status: criteria provided, multiple submitters, no conflicts (2 of 4 stars). 4 submissions from 4 submitters: Uncertain significance (4). Last evaluated 2024-10-14.

Conditions:
Autosomal recessive nonsyndromic hearing loss 9. Also called: AUDITORY NEUROPATHY, AUTOSOMAL RECESSIVE, 1, TEMPERATURE-SENSITIVE; Deafness, autosomal recessive 9; OTOF-Related Hearing Loss; NEUROSENSORY NONSYNDROMIC RECESSIVE DEAFNESS 9. Identifiers: Orphanet 90636, MedGen C1832828, MONDO:0010986, OMIM 601071.
Bilateral sensorineural hearing impairment. Also called: Bilateral sensorineural hearing loss. Identifiers: MedGen C0452138, HP:0008619.

Allele frequency attached by ClinVar (database versions not stated): gnomAD 0.00001; TOPMed 0.00002.
gnomAD v4.1: 4 of 1,614,060 alleles (0.00025%); highest among the groups gnomAD compares: Admixed American, 0.0033%; no homozygotes.

Submissions (4):

Women's Health and Genetics/Laboratory Corporation of America, LabCorp
Classification: Uncertain significance. Last evaluated: 2024-10-14. Review status: criteria provided, single submitter. Criteria: LabCorp Variant Classification Summary - May 2015. Collection method: clinical testing. Allele origin: germline.
Comment: Variant summary: OTOF c.5785A>C (p.Asn1929His) results in a conservative amino acid change located in the Ferlin, C-terminal domain (IPR032362) of the encoded protein sequence. Three of five in-silico tools predict a damaging effect of the variant on protein function. The variant was absent in 251242 control chromosomes. The available data on variant occurrences in the general population are insufficient to allow any conclusion about variant significance. c.5785A>C has been reported in the literature in a heterozygous individual affected with Nonsyndromic Hearing Loss And Deafness, Type 9 (Romanos_2009). These report(s) do not provide unequivocal conclusions about association of the variant with Nonsyndromic Hearing Loss And Deafness, Type 9. To our knowledge, no experimental evidence demonstrating an impact on protein function has been reported. The following publication have been ascertained in the context of this evaluation (PMID: 19461658). ClinVar contains an entry for this variant (Variation ID: 1185577). Based on the evidence outlined above, the variant was classified as uncertain significance.

Fulgent Genetics
Classification: Uncertain significance for Autosomal recessive nonsyndromic hearing loss 9. Last evaluated: 2021-08-18. Review status: criteria provided, single submitter. Criteria: ACMG Guidelines, 2015. Collection method: clinical testing. Allele origin: unknown.

GeneDx
Classification: Uncertain significance. Last evaluated: 2021-06-29. Review status: criteria provided, single submitter. Criteria: GeneDx Variant Classification Process June 2021. Collection method: clinical testing. Allele origin: germline. Affected: yes.
Comment: Not observed at significant frequency in large population cohorts (Lek et al., 2016); In silico analysis supports that this missense variant has a deleterious effect on protein structure/function; This variant is associated with the following publications: (PMID: 27535533, 19461658)

Laboratory of Human Genetics, Institute of Biosciences - University of Sao Paulo
Classification: Uncertain significance for Bilateral sensorineural hearing impairment. Review status: criteria provided, single submitter. Criteria: ClinGen HL ACMG Specifications v1. Collection method: research. Allele origin: germline. Affected: yes. Observed: 1 heterozygote. Segregation with disease observed.
Comment: Thus its clinical significance is unknown

Literature cited by the submitters: PubMed 19461658 (cited by Women's Health and Genetics/Laboratory Corporation of America, LabCorp and Laboratory of Human Genetics, Institute of Biosciences - University of Sao Paulo); PubMed 34652575 (cited by Laboratory of Human Genetics, Institute of Biosciences - University of Sao Paulo).

NM_194248.3(OTOF):c.5785A>C (p.Asn1929His)

Gene: OTOF (otoferlin; minus strand). Cytogenetic location: 2p23.3.
Variant type: single nucleotide variant.
Coding change: c.5785A>C on transcript NM_194248.3 (MANE Select); coding-DNA position 5785, A replaced by C.
Protein change: p.Asn1929His; replaces asparagine 1929 with histidine.
Molecular consequence: missense variant.
Genome position (GRCh38, 1-based): chr2:26,460,675, T>G on the plus strand (A>C on the coding strand, the complement: OTOF is on the minus strand). VCF-style: chr2-26460675-T-G. GRCh37 (hg19) VCF-style: chr2-26683543-T-G.
Other names: c.5785A>C, p.Asn1929His (NM_001287489.2); c.3484A>C, p.Asn1162His (NM_004802.4, NM_194323.3); c.3715A>C, p.Asn1239His (NM_194322.3); short protein forms N1162H, N1239H, N1929H.
Identifiers: ClinVar variation 1185577 (VCV001185577.5), dbSNP rs896148523, ClinGen allele CA44406678.
Genomic context (GRCh38, chr2:26,460,675, plus strand): 5'-GTGGGGAGGGGCTGGGCCGGCAGGGCACTCACTTGGGTTTCTCTAGGGGGTCAGGTTCAT[T>G]GCGGGCCAGGCCCACTGGGTTCTTCTCTGCCTCCTCTGCTGTCAGTAAATGCAGCTCAGC-3'
Protein context (NP_919224.1, residues 1919-1939): AEKNPVGLAR[Asn1929His]EPDPLEKPNR